The following is an entry in ClinVar:

ClinVar aggregate classification (germline): Pathogenic/Likely pathogenic. Review status: criteria provided, multiple submitters, no conflicts (2 of 4 stars). 14 submissions from 14 submitters: Pathogenic (9); Likely pathogenic (4). 1 of the submissions does not count toward it. Last evaluated 2025-10-01.

Conditions:
Recessive dystrophic epidermolysis bullosa (RDEB). Also called: Hallopeau-Siemens Disease; EPIDERMOLYSIS BULLOSA DYSTROPHICA, GENERALIZED SEVERE, AUTOSOMAL RECESSIVE; severe generalized recessive dystrophic epidermolysis bullosa; Epidermolysis Bullosa Distrophica Autosomal Recessive (RDEB); Recessive DEB (RDEB); epidermolysis bullosa dystrophica, autosomal recessive. Identifiers: Orphanet 79408, Orphanet 79409, MedGen C0079474, MONDO:0009179, OMIM 226600.
Epidermolysis bullosa pruriginosa. Also called: DEB, PRURIGINOSA; DYSTROPHIC EPIDERMOLYSIS BULLOSA PRURIGINOSA. Identifiers: Orphanet 89843, MedGen C1275114, MONDO:0011398, OMIM 604129.
Nonsyndromic congenital nail disorder 8. Also called: TOENAIL DYSTROPHY, ISOLATED. Identifiers: MedGen C1843761, MONDO:0011852, OMIM 607523.
Generalized dominant dystrophic epidermolysis bullosa (DDEB). Also called: Dominant DEB (DDEB); DDEB, generalized; DDEB-gen; DYSTROPHIC EPIDERMOLYSIS BULLOSA, AUTOSOMAL DOMINANT; Epidermolysis bullosa dystrophica, autosomal dominant. Identifiers: Orphanet 231568, MedGen C0432322, MONDO:0007549, OMIM 131750.
Pretibial dystrophic epidermolysis bullosa. Also called: Pretibial epidermolysis bullosa; Pretibial blistering; EPIDERMOLYSIS BULLOSA DYSTROPHICA, PRETIBIAL. Identifiers: Orphanet 79410, MedGen C0432321, MONDO:0007552, OMIM 131850, HP:0012221.
Dominant dystrophic epidermolysis bullosa with absence of skin. Also called: EPIDERMOLYSIS BULLOSA WITH CONGENITAL LOCALIZED ABSENCE OF SKIN AND DEFORMITY OF NAILS; EPIDERMOLYSIS BULLOSA DYSTROPHICA, BART TYPE. Identifiers: MedGen C0268371, MONDO:0007557, OMIM 132000.
Transient bullous dermolysis of the newborn (TBDN). Also called: DYSTROPHIC EPIDERMOLYSIS BULLOSA, NEONATAL; EPIDERMOLYSIS BULLOSA DYSTROPHICA, NEONATAL FORM. Identifiers: Orphanet 79411, MedGen C1851573, MONDO:0007548, OMIM 131705.
COL7A1-related disorder. Also called: COL7A1-related condition; COL7A1- related disorders.
Epidermolysis bullosa dystrophica. Also called: Dystrophic epidermolysis bullosa, Hallopeau-Siemens type (formerly); Dystrophic epidermolysis bullosa. Identifiers: Orphanet 303, MedGen C0079294, MONDO:0006543.
Abnormality of the skin. Identifiers: MedGen C5848159, HP:0000951.

Allele frequency attached by ClinVar (database versions not stated): TOPMed 0.00001; ExAC 0.00002; gnomAD exomes 0.00002 and 0.00006.
gnomAD v4.1: 23 of 1,613,984 alleles (0.0014%); highest among the groups gnomAD compares: Admixed American, 0.022%; no homozygotes.

Submissions 1 to 12 of 15:

Labcorp Genetics (formerly Invitae), Labcorp
Classification: Pathogenic. Last evaluated: 2025-10-01. Review status: criteria provided, single submitter. Criteria: Invitae Variant Classification Sherloc (09022015). Collection method: clinical testing. Allele origin: germline.
Comment: This sequence change affects codon 2167 of the COL7A1 mRNA. It is a 'silent' change, meaning that it does not change the encoded amino acid sequence of the COL7A1 protein. This variant also falls at the last nucleotide of exon 79, which is part of the consensus splice site for this exon. This variant is present in population databases (rs767539005, gnomAD 0.03%). This variant has been observed in individuals with autosomal recessive dystrophic epidermolysis bullosa (PMID: 8900535, 10504458, 16971478, 28830826). ClinVar contains an entry for this variant (Variation ID: 623128). Variants that disrupt the consensus splice site are a relatively common cause of aberrant splicing (PMID: 17576681, 9536098). Algorithms developed to predict the effect of sequence changes on RNA splicing suggest that this variant may disrupt the consensus splice site. For these reasons, this variant has been classified as Pathogenic.

3billion
Classification: Pathogenic for Recessive dystrophic epidermolysis bullosa. Last evaluated: 2025-06-10. Review status: criteria provided, single submitter. Criteria: ACMG Guidelines, 2015. Collection method: clinical testing. Allele origin: germline. Affected: yes.
Comment: The variant is observed at an extremely low frequency in the gnomAD v4.1.0 dataset (total allele frequency: 0.002%). Predicted Consequence/Location: Synonymous variant In silico tools predict the variant to alter splicing and produce an abnormal transcript [SpliceAI: 0.37 (>=0.2, moderate evidence for spliceogenicity)]. The variant has been reported to be in trans with a pathogenic variant as either compound heterozygous or homozygous in at least 2 similarly affected unrelated individuals (PMID: 28830826, 33969388). The variant has been reported at least twice as pathogenic with clinical assertions and evidence for the classification (ClinVar ID: VCV000623128 /PMID: 28830826, 8900535). Therefore, this variant is classified as Pathogenic according to the recommendation of ACMG/AMP guideline.

Natera, Inc.
Classification: Pathogenic for Dystrophic epidermolysis bullosa. Last evaluated: 2025-06-06. Review status: criteria provided, single submitter. Criteria: Natera Variant Classification Schema (03/2026). Collection method: clinical testing. Allele origin: germline.
Comment: The c.6501G>A variant in COL7A1 is a synonymous variant that does not alter the encoded amino acid at position 2167 (p.P2167=). The frequency of this variant in the general population is greater than expected for disorder. This variant has been observed in one or more individuals affected with the associated recessive disease, as either homozygous or compound heterozygous with a second variant (PMID: 24213372, 10504458, 16971478, 32946877). Functional studies show that this variant may disrupt protein function (PMID: 33969388). Computational prediction algorithms indicate this variant is likely to affect gene or protein function. Given the available evidence, this variant is classified as Pathogenic.

Fulgent Genetics
Classification: Pathogenic for Transient bullous dermolysis of the newborn; Generalized dominant dystrophic epidermolysis bullosa; Pretibial dystrophic epidermolysis bullosa; Dominant dystrophic epidermolysis bullosa with absence of skin; Recessive dystrophic epidermolysis bullosa; Epidermolysis bullosa pruriginosa; Nonsyndromic congenital nail disorder 8. Last evaluated: 2024-03-05. Review status: criteria provided, single submitter. Criteria: ACMG Guidelines, 2015. Collection method: clinical testing. Allele origin: germline.

Women's Health and Genetics/Laboratory Corporation of America, LabCorp
Classification: Pathogenic for COL7A1-Related Disorders. Last evaluated: 2024-02-16. Review status: criteria provided, single submitter. Criteria: LabCorp Variant Classification Summary - May 2015. Collection method: clinical testing. Allele origin: germline.
Comment: Variant summary: COL7A1 c.6501G>A (p.Pro2167Pro) alters a non-conserved nucleotide located close to a canonical splice site and therefore could affect mRNA splicing, leading to a significantly altered protein sequence. Several computational tools predict a significant impact on normal splicing: Four predict the variant weakens a 5' donor site. At least one publication reports experimental evidence that this variant affects mRNA splicing (example: Youssefian_2021). The variant allele was found at a frequency of 5.6e-05 in 251354 control chromosomes (gnomAD). c.6501G>A has been reported in the literature in multiple individuals affected with Dystrophic Epidermolysis Bullosa, Recessive (examples: Whittock_1999, Woodley_2014, Vahidnezhad_2019, Youssefian_2021). These data indicate that the variant is very likely to be associated with disease. The following publications have been ascertained in the context of this evaluation (PMID: 29364557 , 10504458 , 29473190, 24213372, 33969388). ClinVar contains an entry for this variant (Variation ID: 623128). Based on the evidence outlined above, the variant was classified as pathogenic.

Blueprint Genetics
Classification: Pathogenic for COL7A1-related disorders. Last evaluated: 2023-10-31. Review status: criteria provided, single submitter. Criteria: ACMG Guidelines, 2015. Collection method: clinical testing. Allele origin: germline. Affected: yes. Observed: 2 variant alleles.

Center for Personalized Medicine, Children's Hospital Los Angeles
Classification: Likely pathogenic. Last evaluated: 2022-12-21. Review status: criteria provided, single submitter. Criteria: ACMG Guidelines, 2015. Collection method: clinical testing. Allele origin: unknown. Affected: yes.

Center for Research in Genodermatoses and Epidermolysis Bullosa, University of Buenos Aires
Classification: Pathogenic for Recessive dystrophic epidermolysis bullosa. Last evaluated: 2022-03-14. Review status: criteria provided, single submitter. Criteria: ACMG Guidelines, 2015. Collection method: clinical testing. Allele origin: maternal. Affected: yes. Observed: 1 variant allele, 1 compound heterozygote.

GeneDx
Classification: Pathogenic. Last evaluated: 2022-02-23. Review status: criteria provided, single submitter. Criteria: GeneDx Variant Classification Process June 2021. Collection method: clinical testing. Allele origin: germline. Affected: yes.
Comment: Synonymous variant predicted to cause aberrant gene splicing, supported by published functional studies which demonstrate use of an alternate splice site, resulting in a transcript with partial retention of intron 79 and a premature stop codon (Youssefian et al., 2021); This variant is associated with the following publications: (PMID: 21448560, 8900535, 24213372, 31001817, 16971478, 28830826, 25525159, 29473190, 31589614, 33426253, 32946877, 33969388)

Revvity Omics, Revvity
Classification: Likely pathogenic. Last evaluated: 2021-12-02. Review status: criteria provided, single submitter. Criteria: ACMG Guidelines, 2015. Collection method: clinical testing. Allele origin: germline.

Kariminejad - Najmabadi Pathology & Genetics Center
Classification: Likely pathogenic for Abnormality of the skin. Last evaluated: 2021-07-10. Review status: criteria provided, single submitter. Criteria: ACMG Guidelines, 2015. Collection method: clinical testing. Allele origin: germline. Affected: yes.

Biomedical Innovation Departament, CIEMAT
Classification: Pathogenic for Dystrophic epidermolysis bullosa. Last evaluated: 2019-02-25. Review status: criteria provided, single submitter. Criteria: ACMG Guidelines, 2015. Collection method: research. Allele origin: germline. Affected: yes. Observed: 1 variant allele.

NM_000094.4(COL7A1):c.6501G>A (p.Pro2167=)

Gene: COL7A1 (collagen type VII alpha 1 chain; minus strand). Cytogenetic location: 3p21.31.
Variant type: single nucleotide variant.
Coding change: c.6501G>A on transcript NM_000094.4 (MANE Select); coding-DNA position 6501, G replaced by A.
Protein change: p.Pro2167=; no amino-acid change (proline 2167 retained).
Molecular consequence: synonymous variant.
Genome position (GRCh38, 1-based): chr3:48,574,262, C>T on the plus strand (G>A on the coding strand, the complement: COL7A1 is on the minus strand). VCF-style: chr3-48574262-C-T. GRCh37 (hg19) VCF-style: chr3-48611695-C-T.
Other names: splicing.
Identifiers: ClinVar variation 623128 (VCV000623128.64), dbSNP rs767539005, ClinGen allele CA2379009.